The following is an entry in ClinVar:

NM_001042492.3(NF1):c.3049C>G (p.Gln1017Glu)

Gene: NF1 (neurofibromin 1; plus strand). Cytogenetic location: 17q11.2.
Variant type: single nucleotide variant.
Coding change: c.3049C>G on transcript NM_001042492.3 (MANE Select); coding-DNA position 3049, C replaced by G.
Protein change: p.Gln1017Glu; replaces glutamine 1017 with glutamic acid.
Molecular consequence: missense variant.
Genome position (GRCh38, 1-based): chr17:31,230,318, C>G. VCF-style: chr17-31230318-C-G. GRCh37 (hg19) VCF-style: chr17-29557336-C-G.
Other names: c.3049C>G, p.Gln1017Glu (NM_000267.4); short protein forms Q1017E.
Identifiers: ClinVar variation 3602628 (VCV003602628.1).

ClinVar aggregate classification (germline): Likely pathogenic (1 of 4 stars; one submission).

Conditions:
Hereditary cancer-predisposing syndrome. Also called: Tumor predisposition; Hereditary neoplastic syndrome; Neoplastic Syndromes, Hereditary; Hereditary Cancer Syndrome. Identifiers: Orphanet 140162, MedGen C0027672, MeSH D009386, MONDO:0015356.

Submission:

Institute for Biomarker Research, Medical Diagnostic Laboratories, L.L.C.
Classification: Likely pathogenic for Hereditary cancer-predisposing syndrome. Last evaluated: 2024-12-09. Review status: criteria provided, single submitter. Criteria: ACMG Guidelines, 2015. Collection method: clinical testing. Allele origin: germline.
Comment: The missense variant NM_000267.3(NF1):c.3049C>G (p.Gln1017Glu) has not been reported previously as a pathogenic variant nor as a benign variant, to our knowledge. The p.Gln1017Glu missense variant is predicted to be damaging by both SIFT and PolyPhen2. The glutamine residue at codon 1017 of NF1 is conserved in all mammalian species. The nucleotide c.3049 in NF1 is predicted conserved by GERP++ and PhyloP across 100 vertebrates. For these reasons, this variant has been classified as Likely Pathogenic.